The following is an entry in ClinVar:

ClinVar aggregate classification (germline): Pathogenic (1 of 4 stars; one submission).

Conditions:
Kabuki syndrome 1 (KABUK1). Also called: KMT2D-Related Kabuki Syndrome. Identifiers: Orphanet 2322, MedGen CN030661, MONDO:0007843, OMIM 147920.

Submission:

Institute of Human Genetics, University of Leipzig Medical Center
Classification: Pathogenic for Kabuki syndrome 1. Last evaluated: 2025-08-04. Review status: criteria provided, single submitter. Criteria: ACMG Guidelines, 2015. Collection method: clinical testing. Allele origin: unknown. Inheritance: Autosomal dominant inheritance. Affected: yes.
Comment: Criteria applied: PVS1,PM2

NM_003482.4(KMT2D):c.14149G>T (p.Glu4717Ter)

Gene: KMT2D (lysine methyltransferase 2D; minus strand). Cytogenetic location: 12q13.12.
Variant type: single nucleotide variant.
Coding change: c.14149G>T on transcript NM_003482.4 (MANE Select); coding-DNA position 14149, G replaced by T.
Protein change: p.Glu4717Ter; replaces glutamic acid 4717 with a stop codon.
Molecular consequence: nonsense.
Genome position (GRCh38, 1-based): chr12:49,029,163, C>A on the plus strand (G>T on the coding strand, the complement: KMT2D is on the minus strand). VCF-style: chr12-49029163-C-A. GRCh37 (hg19) VCF-style: chr12-49422946-C-A.
Other names: short protein forms E4717*.
Identifiers: ClinVar variation 4279010 (VCV004279010.1).